The following is an entry in ClinVar:

NM_001354604.2(MITF):c.104+24188C>G

Gene: MITF (melanocyte inducing transcription factor; plus strand). Cytogenetic location: 3p13.
Variant type: single nucleotide variant.
Coding change: c.104+24188C>G on transcript NM_001354604.2 (MANE Select); 24188 bases into the intron after coding-DNA position 104, C replaced by G.
Molecular consequence: intron variant. On other transcripts: missense variant (1).
Genome position (GRCh38, 1-based): chr3:69,763,889, C>G. VCF-style: chr3-69763889-C-G. GRCh37 (hg19) VCF-style: chr3-69813040-C-G.
Other names: c.48C>G, p.Phe16Leu (NM_006722.3); c.-77+24188C>G (NM_001354607.2); c.-92+24188C>G (NM_001354608.2); c.104+24188C>G (NM_198159.3, NM_001354605.2, NM_001354606.2); c.-53+197C>G (NM_001184967.2); short protein forms F16L.
Identifiers: ClinVar variation 932038 (VCV000932038.3), dbSNP rs1441101806, ClinGen allele CA353558232.
Genomic context (GRCh38, chr3:69,763,889, plus strand): 5'-TCTCTGAAGTCAAATGGGACACCTTGAAAATACTTCAGTGGTTTTCCCACGAGCTATTTT[C>G]TCTCTCTGTGAAAAGGAAACCAGGAAATTGACTCTGTGCCTGTTTTCAAGAAGGTAATAC-3'

ClinVar aggregate classification (germline): Uncertain significance (1 of 4 stars; one submission).

Conditions:
Tietz syndrome (TADS). Also called: TIETZ ALBINISM-DEAFNESS SYNDROME; ALBINISM-DEAFNESS OF TIETZ; HYPOPIGMENTATION/DEAFNESS OF TIETZ. Identifiers: Orphanet 42665, MedGen C0391816, MONDO:0007077, OMIM 103500.

Allele frequency attached by ClinVar (database versions not stated): gnomAD 0.00001; gnomAD exomes 0.00001.
gnomAD v4.1: 3 of 1,379,070 alleles (0.00022%); highest among the groups gnomAD compares: Non-Finnish European, 0.00029%; no homozygotes.

Submission:

Centre for Mendelian Genomics, University Medical Centre Ljubljana
Classification: Uncertain significance for Tietz syndrome. Last evaluated: 2019-05-09. Review status: criteria provided, single submitter. Criteria: ACMG Guidelines, 2015. Collection method: clinical testing. Allele origin: unknown. Affected: yes.
Comment: This variant was classified as: Uncertain significance. The available evidence on this variant's pathogenicity is insufficient or conflicting. The following ACMG criteria were applied in classifying this variant: BP4.